The following is an entry in ClinVar:

ClinVar aggregate classification (germline): Uncertain significance (1 of 4 stars; one submission).

Allele frequency attached by ClinVar (database versions not stated): ExAC 0.00001; gnomAD 0.00001; TOPMed 0.00001; gnomAD exomes 0.00002.
gnomAD v4.1: 24 of 1,612,956 alleles (0.0015%); highest among the groups gnomAD compares: Non-Finnish European, 0.0019%; no homozygotes.

Submission:

Labcorp Genetics (formerly Invitae), Labcorp
Classification: Uncertain significance. Last evaluated: 2023-06-26. Review status: criteria provided, single submitter. Criteria: Invitae Variant Classification Sherloc (09022015). Collection method: clinical testing. Allele origin: germline.
Comment: In summary, the available evidence is currently insufficient to determine the role of this variant in disease. Therefore, it has been classified as a Variant of Uncertain Significance. Advanced modeling of protein sequence and biophysical properties (such as structural, functional, and spatial information, amino acid conservation, physicochemical variation, residue mobility, and thermodynamic stability) performed at Invitae indicates that this missense variant is expected to disrupt SLC12A2 protein function. ClinVar contains an entry for this variant (Variation ID: 2190375). This variant has not been reported in the literature in individuals affected with SLC12A2-related conditions. This variant is present in population databases (rs768590209, gnomAD 0.0009%). This sequence change replaces arginine, which is basic and polar, with glycine, which is neutral and non-polar, at codon 1055 of the SLC12A2 protein (p.Arg1055Gly).

NM_001046.3(SLC12A2):c.3163A>G (p.Arg1055Gly)

Gene: SLC12A2 (solute carrier family 12 member 2; plus strand). Cytogenetic location: 5q23.3.
Variant type: single nucleotide variant.
Coding change: c.3163A>G on transcript NM_001046.3 (MANE Select); coding-DNA position 3163, A replaced by G.
Protein change: p.Arg1055Gly; replaces arginine 1055 with glycine.
Molecular consequence: missense variant. On other transcripts: non-coding transcript variant (1).
Genome position (GRCh38, 1-based): chr5:128,180,945, A>G. VCF-style: chr5-128180945-A-G. GRCh37 (hg19) VCF-style: chr5-127516637-A-G.
Other names: c.3115A>G, p.Arg1039Gly (NM_001256461.2); short protein forms R1039G, R1055G.
Identifiers: ClinVar variation 2190375 (VCV002190375.4), dbSNP rs768590209, ClinGen allele CA3393580.
Genomic context (GRCh38, chr5:128,180,945, plus strand): 5'-TTGACCTTATTGATACCTTACCTTCTGACGACCAAGAAAAAATGGAAAGACTGTAAGATC[A>G]GAGTATTCATTGGTGGAAAGATAAACAGAATAGACCATGACCGGAGAGCGTAAGTTTATT-3'
Protein context (NP_001037.1, residues 1045-1065): TKKKWKDCKI[Arg1055Gly]VFIGGKINRI